The following is an entry in ClinVar:

NM_001040108.2(MLH3):c.586T>C (p.Ser196Pro)

Gene: MLH3 (mutL homolog 3; minus strand). Cytogenetic location: 14q24.3.
Variant type: single nucleotide variant.
Coding change: c.586T>C on transcript NM_001040108.2 (MANE Select); coding-DNA position 586, T replaced by C.
Protein change: p.Ser196Pro; replaces serine 196 with proline.
Molecular consequence: missense variant.
Genome position (GRCh38, 1-based): chr14:75,049,070, A>G on the plus strand (T>C on the coding strand, the complement: MLH3 is on the minus strand). VCF-style: chr14-75049070-A-G. GRCh37 (hg19) VCF-style: chr14-75515773-A-G.
Other names: c.586T>C, p.Ser196Pro (NM_014381.3); short protein forms S196P.
Identifiers: ClinVar variation 3396675 (VCV003396675.1).

ClinVar aggregate classification (germline): Uncertain significance (1 of 4 stars; one submission).

Submission:

Ambry Genetics
Classification: Uncertain significance. Last evaluated: 2024-08-01. Review status: criteria provided, single submitter. Criteria: Ambry Variant Classification Scheme 2023. Collection method: clinical testing. Allele origin: germline.
Comment: The p.S196P variant (also known as c.586T>C), located in coding exon 1 of the MLH3 gene, results from a T to C substitution at nucleotide position 586. The serine at codon 196 is replaced by proline, an amino acid with similar properties. This amino acid position is conserved. In addition, the in silico prediction for this alteration is inconclusive. Based on the available evidence, the clinical significance of this variant remains unclear.